The following is an entry in ClinVar:

ClinVar aggregate classification (germline): Uncertain significance (1 of 4 stars; one submission).

Submission:

GeneDx
Classification: Uncertain significance. Last evaluated: 2025-07-24. Review status: criteria provided, single submitter. Criteria: GeneDx Variant Classification Process June 2021. Collection method: clinical testing. Allele origin: germline. Affected: yes.
Comment: Not observed at significant frequency in large population cohorts (gnomAD); In silico analysis supports that this missense variant has a deleterious effect on protein structure/function; Has not been previously published as pathogenic or benign to our knowledge

NM_001003694.2(BRPF1):c.419A>C (p.Glu140Ala)

Gene: BRPF1 (bromodomain and PHD finger containing 1; plus strand). Cytogenetic location: 3p25.3.
Variant type: single nucleotide variant.
Coding change: c.419A>C on transcript NM_001003694.2 (MANE Select); coding-DNA position 419, A replaced by C.
Protein change: p.Glu140Ala; replaces glutamic acid 140 with alanine.
Molecular consequence: missense variant. On other transcripts: non-coding transcript variant (1).
Genome position (GRCh38, 1-based): chr3:9,734,559, A>C. VCF-style: chr3-9734559-A-C. GRCh37 (hg19) VCF-style: chr3-9776243-A-C.
Other names: c.419A>C, p.Glu140Ala (NM_001319049.2, NM_001319050.2, NM_001410704.1 and 7 more transcripts); short protein forms E140A.
Identifiers: ClinVar variation 4687044 (VCV004687044.1).